The following is an entry in ClinVar:

NM_057175.5(NAA15):c.1828G>T (p.Glu610Ter)

Gene: NAA15 (N-alpha-acetyltransferase 15, NatA auxiliary subunit; plus strand). Cytogenetic location: 4q31.1.
Variant type: single nucleotide variant.
Coding change: c.1828G>T on transcript NM_057175.5 (MANE Select); coding-DNA position 1828, G replaced by T.
Protein change: p.Glu610Ter; replaces glutamic acid 610 with a stop codon.
Molecular consequence: nonsense.
Genome position (GRCh38, 1-based): chr4:139,370,285, G>T. VCF-style: chr4-139370285-G-T. GRCh37 (hg19) VCF-style: chr4-140291439-G-T.
Other names: c.1828G>T, p.Glu610Ter (NM_001410842.1); c.*237G>T (NM_025085.2); short protein forms E610*.
Identifiers: ClinVar variation 2010273 (VCV002010273.4), dbSNP rs2530441677, ClinGen allele CA358269501.

ClinVar aggregate classification (germline): Pathogenic (1 of 4 stars; one submission).

Submission:

Labcorp Genetics (formerly Invitae), Labcorp
Classification: Pathogenic. Last evaluated: 2023-08-04. Review status: criteria provided, single submitter. Criteria: Invitae Variant Classification Sherloc (09022015). Collection method: clinical testing. Allele origin: germline.
Comment: For these reasons, this variant has been classified as Pathogenic. ClinVar contains an entry for this variant (Variation ID: 2010273). This variant has not been reported in the literature in individuals affected with NAA15-related conditions. This variant is not present in population databases (gnomAD no frequency). This sequence change creates a premature translational stop signal (p.Glu610*) in the NAA15 gene. It is expected to result in an absent or disrupted protein product. Loss-of-function variants in NAA15 are known to be pathogenic (PMID: 28191889, 29656860).

Literature cited by the submitters: PubMed 28191889; PubMed 29656860.